The following is an entry in ClinVar:

ClinVar aggregate classification (germline): Pathogenic (1 of 4 stars; one submission).

Submission:

CeGaT Center for Human Genetics Tuebingen
Classification: Pathogenic. Last evaluated: 2022-08-01. Review status: criteria provided, single submitter. Criteria: CeGaT Center For Human Genetics Tuebingen Variant Classification Criteria Version 2. Collection method: clinical testing. Allele origin: germline. Affected: yes. Observed: 1 variant allele.
Comment: ARCN1: PVS1, PM2, PS2:Supporting

NM_001655.5(ARCN1):c.941del (p.Arg314fs)

Gene: ARCN1 (archain 1 coat protein complex I subunit delta; plus strand). Cytogenetic location: 11q23.3.
Variant type: Deletion.
Coding change: c.941del on transcript NM_001655.5 (MANE Select); coding-DNA position 941, one base deleted (G; older notation c.941delG).
Protein change: p.Arg314fs; shifts the reading frame from arginine 314.
Molecular consequence: frameshift variant.
Genome position (GRCh38, 1-based): chr11:118,590,463, G deleted. VCF-style (leftmost placement, unchanged base first): chr11-118590462-CG-C. GRCh37 (hg19) VCF-style: chr11-118461177-CG-C.
Other names: c.677del, p.Arg226fs (NM_001142281.2); short protein forms R226fs, R314fs.
Identifiers: ClinVar variation 1711329 (VCV001711329.30), dbSNP rs2497706395, ClinGen allele CA2580083699.
Genomic context (GRCh38, chr11:118,590,462, plus strand): 5'-AATATGGAGTTGCATGGCATGATCATGCTTAGGATCTCAGATGACAAGTATGGCCGAATT[CG>C]TCTTCATGTGGAAAATGAAGATAAGAAAGGGGTGCAGCTACAGGTGTGTAGAAGCTTTTG-3'